The following is an entry in ClinVar:

NM_033305.3(VPS13A):c.226_227delinsGTATAAGAGACAG (p.Thr76delinsValTer)

Gene: VPS13A (vacuolar protein sorting 13 homolog A; plus strand). Cytogenetic location: 9q21.2.
Variant type: Indel.
Coding change: c.226_227delinsGTATAAGAGACAG on transcript NM_033305.3 (MANE Select); coding-DNA positions 226 to 227, AC replaced by GTATAAGAGACAG.
Protein change: p.Thr76delinsValTer.
Molecular consequence: nonsense.
Genome position (GRCh38, 1-based): chr9:77,205,351-77,205,352, AC replaced by GTATAAGAGACAG. VCF-style: chr9-77205351-AC-GTATAAGAGACAG. GRCh37 (hg19) VCF-style: chr9-79820267-AC-GTATAAGAGACAG.
Other names: c.226_227delinsGTATAAGAGACAG, p.Thr76delinsValTer (NM_001018037.2, NM_001018038.3, NM_015186.4).
Identifiers: ClinVar variation 5010484 (VCV005010484.1).

ClinVar aggregate classification (germline): Pathogenic (1 of 4 stars; one submission).

Conditions:
VPS13A-related neurodegenerative disease. Also called: ACANTHOCYTOSIS WITH NEUROLOGIC DISORDER; LEVINE-CRITCHLEY SYNDROME; Choreoacanthocytosis; Chorea-acanthocytosis; Choreaacanthocytosis; VPS13A Disease. Identifiers: Orphanet 2388, MedGen C0393576, MONDO:0008695, OMIM 200150.

Submission:

Myriad Genetics, Inc.
Classification: Pathogenic for VPS13A-related neurodegenerative disease. Last evaluated: 2024-05-14. Review status: criteria provided, single submitter. Criteria: Myriad Autosomal Dominant, Autosomal Recessive and X-Linked Classification Criteria (2023). Collection method: clinical testing. Allele origin: unknown.
Comment: NM_033305.2(VPS13A):c.226_227del2ins13(T76Vfs*2) is expected to be pathogenic in the context of VPS13A disease. This variant is predicted to lead to an abnormal or absent protein product due to the creation of a premature termination codon in VPS13A, a gene where loss-of-function variants are known to be pathogenic. Please note: this variant was assessed in the context of healthy population screening.